The following is an entry in ClinVar:

ClinVar aggregate classification (germline): Benign/Likely benign. Review status: criteria provided, multiple submitters, no conflicts (2 of 4 stars). 6 submissions from 6 submitters: Benign (1); Likely benign (3). 2 of the submissions do not count toward it. Last evaluated 2026-04-01.

Allele frequency attached by ClinVar (database versions not stated): 1000 Genomes Project 0.00040; 1000 Genomes Project 30x 0.00047; ESP Exome Variant Server 0.00152; ExAC 0.00192; gnomAD 0.00236; TOPMed 0.00237.
gnomAD v4.1: 5,143 of 1,613,618 alleles (0.32%); highest among the groups gnomAD compares: Non-Finnish European, 0.39%; 18 homozygotes.

Submissions (6):

CeGaT Center for Human Genetics Tuebingen
Classification: Likely benign. Last evaluated: 2026-04-01. Review status: criteria provided, single submitter. Criteria: CeGaT Center For Human Genetics Tuebingen Variant Classification Criteria Version 2. Collection method: clinical testing. Allele origin: germline. Affected: yes. Observed: 6 variant alleles.
Comment: CAPN1: BS2

Labcorp Genetics (formerly Invitae), Labcorp
Classification: Likely benign. Last evaluated: 2026-01-13. Review status: criteria provided, single submitter. Criteria: Invitae Variant Classification Sherloc (09022015). Collection method: clinical testing. Allele origin: germline.

Mayo Clinic Laboratories, Mayo Clinic
Classification: Benign. Last evaluated: 2023-06-16. Review status: criteria provided, single submitter. Criteria: ACMG Guidelines, 2015. Collection method: clinical testing. Allele origin: germline. Observed: 2 variant alleles.
Comment: BS1, BS2, PP3

Breakthrough Genomics
Classification: Likely benign. Review status: criteria provided, single submitter. Criteria: ACMG Guidelines, 2015. Collection method: not provided. Allele origin: germline. Inheritance: Autosomal recessive inheritance. Affected: yes.

Clinical Genetics DNA and cytogenetics Diagnostics Lab, Erasmus MC, Erasmus Medical Center
Classification: Likely benign. Review status: no assertion criteria provided. Collection method: clinical testing. Allele origin: germline. Affected: yes. Study: VKGL Data-share Consensus. Not counted in ClinVar's aggregate classification.

Genome Diagnostics Laboratory, University Medical Center Utrecht
Classification: Likely benign. Review status: no assertion criteria provided. Collection method: clinical testing. Allele origin: germline. Affected: yes. Study: VKGL Data-share Consensus. Not counted in ClinVar's aggregate classification.

NM_005186.4(CAPN1):c.1781T>C (p.Val594Ala)

Gene: CAPN1 (calpain 1; plus strand). Cytogenetic location: 11q13.1.
Variant type: single nucleotide variant.
Coding change: c.1781T>C on transcript NM_005186.4 (MANE Select); coding-DNA position 1781, T replaced by C.
Protein change: p.Val594Ala; replaces valine 594 with alanine.
Molecular consequence: missense variant. On other transcripts: non-coding transcript variant (1).
Genome position (GRCh38, 1-based): chr11:65,209,374, T>C. VCF-style: chr11-65209374-T-C. GRCh37 (hg19) VCF-style: chr11-64976845-T-C.
Other names: p.Val594Ala; c.1781T>C, p.Val594Ala (NM_001198868.2, NM_001198869.2); short protein forms V594A.
Identifiers: ClinVar variation 724045 (VCV000724045.49), dbSNP rs148743672, ClinGen allele CA6093547.